The following continues an entry in ClinVar:

NM_007194.4(CHEK2):c.592+3A>T

Gene: CHEK2. ClinVar aggregate classification (germline): Pathogenic/Likely pathogenic. Pathogenic (7); Likely pathogenic (23).

Submissions 10 to 23 of 36:

Ambry Genetics
Classification: Likely pathogenic for Hereditary cancer-predisposing syndrome. Last evaluated: 2025-09-04. Review status: criteria provided, single submitter. Criteria: Ambry Variant Classification Scheme 2023. Collection method: clinical testing. Allele origin: germline.
Comment: The c.592+3A>T intronic variant results from an A to T substitution 3 nucleotides after coding exon 3 in the CHEK2 gene. This alteration has been detected in multiple breast cancer cohorts (Hauke J et al. Cancer Med, 2018 04;7:1349-1358;Fostira F et al. J. Med. Genet., 2020 01;57:53-61; Akcay IM et al. Int J Cancer, 2021 Jan;148:285-295; Apostolou P et al. Cancers (Basel), 2021 Apr;13). RNA analysis from an individual diagnosed with breast cancer who carried this variant identified two abnormally spliced transcripts predicted to result nonsense-mediated decay (Kraus C et al. Int. J. Cancer. 2017 Jan;140:95-102), and another RNA study demonstrated this alteration has a deleterious splicing impact (Casadei S et al. Proc Natl Acad Sci U S A, 2019 Dec). In addition, a mini-gene study reported that this variant produced no normally spliced transcripts (Sanoguera-Miralles L et al. Clin Chem. 2024 Jan;70(1):319-338). Internal RNA studies have also demonstrated this alteration results in abnormal splicing in the set of samples tested (Ambry internal data). This nucleotide position is well conserved in available vertebrate species. In silico splice site analysis predicts that this alteration will weaken the native splice donor site. Based on the majority of available evidence to date, this variant is likely to be pathogenic.

Molecular Diagnostics Laboratory, Catalan Institute of Oncology
Classification: Likely pathogenic for Hereditary cancer-predisposing syndrome. Last evaluated: 2025-02-19. Review status: criteria provided, single submitter. Criteria: ACMG Guidelines, 2015. Collection method: clinical testing. Allele origin: germline.
Comment: PVS1 (RNA), PM2_Supporting CHEK2:c.592+3A>T is an intronic variant located close to a canonical splice site. Transcript-based analysis on mRNA extracted from patient's blood lymphoblastoid cells treated with puromycin indicates that this variant results in 3 transcripts involving the skipping of exon 4, skipping of exons 4 and 5, and skipping of exon 5 (r.445_592del, r.445_683del and r.593_683del, respectively) (PMID:31843900)(PVS1_RNA). Also, other mRNA-based assays report the skipping of exon 4, and exons 4 and 5, both resulting in NMD (PMID: 33925588, 27616075). This variant is found in 5/268210 alleles at a frequency of 0.002% in the gnomAD v2.1.1 database, non-cancer dataset (PM2_Supporting) The SpliceAI algorithm predicts the loss of the splice donor site (delta score: 0.9). This variant has been found in multiple cancer-affected individuals (PMID: 33980423, 33925588, 35350808, 33919281, 29522266, 27978560, internal data). It was reported to cosegregate in 2 cancer-affected siblings (PMID: 38313678). And it was found in 5 out of 728 breast cancer- affected individuals and 1 out of 790 healthy controls (PMID: 32658311). This variant has been reported in the ClinVar database (7x pathogenic, 17x likely pathogenic) and in the LOVD database (3x pathogenic, 3x likely pathogenic). Based on currently available information, the variant c.592+3A>T should be considered a likely pathogenic variant according to ACMG/AMP classification guidelines.

Blueprint Genetics
Classification: Pathogenic for CHEK2-related disorders. Last evaluated: 2024-10-14. Review status: criteria provided, single submitter. Criteria: ACMG Guidelines, 2015. Collection method: clinical testing. Allele origin: germline. Affected: yes. Observed: 5 variant alleles.

KCCC/NGS Laboratory, Kuwait Cancer Control Center
Classification: Likely pathogenic for CHEK2-related cancer predisposition. Last evaluated: 2024-10-09. Review status: criteria provided, single submitter. Criteria: ACMG Guidelines, 2015. Collection method: clinical testing. Allele origin: germline. Inheritance: Autosomal dominant inheritance. Affected: yes. Observed: 1 heterozygote.
Comment: This sequence change falls in intron 4 of the CHEK2 gene. It does not directly change the encoded amino acid sequence of the CHEK2 protein. RNA analysis indicates that this variant induces altered splicing and may result in an absent or disrupted protein product. This nucleotide position is well conserved. Not observed at significant frequency in large population cohorts (gnomAD). This variant has been observed in individual(s) with breast cancer and colorectal cancer (PMID: 27616075, 27978560, 29522266, 32658311, 33919281, 33980423). ClinVar contains an entry for this variant (Variation ID: 142956). Variants that disrupt the consensus splice site are a relatively common cause of aberrant splicing (PMID: 17576681, 9536098). Studies have shown that this variant results in complex altered splicing including up regulation of naturally occurring isoforms and skipping of exon 4 (also known as exon 3) and skipping of exon 4 and 5, which introduce premature termination codons. This variant causes significant reduction of the normal transcript (PMID: 27616075, 31843900, 33925588). In silico splice site analysis predicts that this alteration will weaken the native splice donor site. In summary, this variant has been classified as Likely Pathogenic. Pathogenic/likely pathogenic mutations in the CHEK2 gene cause breast cancer susceptibility (OMIM# 114480).

Mayo Clinic Laboratories, Mayo Clinic
Classification: Likely pathogenic. Last evaluated: 2024-05-22. Review status: criteria provided, single submitter. Criteria: ACMG Guidelines, 2015. Collection method: clinical testing. Allele origin: germline. Observed: 1 variant allele.
Comment: PVS1_strong+PS4_mod+PM2_sup

Genomic Research Center, Shahid Beheshti University of Medical Sciences
Classification: Likely pathogenic for Malignant tumor of breast. Last evaluated: 2024-05-11. Review status: criteria provided, single submitter. Criteria: ACMG Guidelines, 2015. Collection method: clinical testing. Allele origin: unknown. Affected: yes.

Baylor Genetics
Classification: Likely pathogenic for Familial cancer of breast. Last evaluated: 2024-02-27. Review status: criteria provided, single submitter. Criteria: ACMG Guidelines, 2015. Collection method: clinical testing. Allele origin: unknown.

Institute of Human Genetics, FAU Erlangen, Friedrich-Alexander-Universität Erlangen-Nürnberg
Classification: Pathogenic. Last evaluated: 2023-08-01. Review status: criteria provided, single submitter. Criteria: Hauer et al. (Genet Med. 2018). Collection method: clinical testing. Allele origin: germline. Inheritance: Unknown mechanism. Affected: yes. Observed: 1 variant allele.
Comment: This variant has been identified by standard clinical testing. Selected ACMG criteria: Pathogenic (I):PP5;PS4;PVS1

Revvity Omics, Revvity
Classification: Likely pathogenic. Last evaluated: 2023-06-01. Review status: criteria provided, single submitter. Criteria: ACMG Guidelines, 2015. Collection method: clinical testing. Allele origin: germline.

Mendelics
Classification: Pathogenic for Familial cancer of breast. Last evaluated: 2023-03-30. Review status: criteria provided, single submitter. Criteria: Mendelics Assertion Criteria 2017. Collection method: clinical testing. Allele origin: unknown.

Institute for Genomic Medicine (IGM) Clinical Laboratory, Nationwide Children's Hospital
Classification: Likely pathogenic for CHEK2-related cancer predisposition. Last evaluated: 2023-03-28. Review status: criteria provided, single submitter. Criteria: ACMG Guidelines, 2015. Collection method: clinical testing. Allele origin: germline.
Comment: Well-established functional studies have demonstrated this variant to have a damaging effect on protein function or splicing (ACMG/AMP: PS3_Moderate; PMIDs:27616075, 31843900, 33925588). This variant has been reported at an elevated frequency in affected individuals/in multiple affected individuals in the literature (ACMG/AMP: PS4; PMIDs:27616075, 32658311, 33919281, 33925588). This variant is predicted to alter protein function or structure, or disrupt splicing by multiple in silico tools (ACMG/AMP: PP3).

Myriad Genetics, Inc.
Classification: Likely pathogenic for Familial cancer of breast. Last evaluated: 2023-03-08. Review status: criteria provided, single submitter. Criteria: Myriad Autosomal Dominant, Autosomal Recessive and X-Linked Classification Criteria (2023). Collection method: clinical testing. Allele origin: unknown.
Comment: This variant is considered likely pathogenic. mRNA analysis has demonstrated abnormal mRNA splicing occurs [Myriad Internal Data].

Women's Health and Genetics/Laboratory Corporation of America, LabCorp
Classification: Likely pathogenic for Hereditary breast ovarian cancer syndrome. Last evaluated: 2022-11-08. Review status: criteria provided, single submitter. Criteria: LabCorp Variant Classification Summary - May 2015. Collection method: clinical testing. Allele origin: germline.
Comment: Variant summary: CHEK2 c.592+3A>T alters a conserved nucleotide located close to a canonical splice site and therefore could affect mRNA splicing, leading to a significantly altered protein sequence. Several computational tools predict a significant impact on normal splicing: Two predict the variant abolishes a canonical 5 prime splicing donor site, while two predict the variant weakens the 5 prime donor site. At least two publications report experimental evidence that this variant affects mRNA splicing, leading to the skipping of exon 4 and exon 4/5, both predicted to cause a frameshift (e.g. Kraus_2016, Casadei_2019). The variant allele was found at a frequency of 3.6e-05 in 252298 control chromosomes (gnomAD and Akcay_2021). c.592+3A>T has been reported in the literature in multiple individuals affected with breast and/or ovarian cancer, some of these cases were diagnosed at an early age and/or indicated to have a positive family history and several patients were comprehensively genotyped on large cancer gene panels (e.g. Kraus_2016, Lolas Hamameh_2017, Hauke_2018, Fostria_2020, Akcay_2021, Toss_2021, Bora_2022). These reports indicate that the variant is likely associated with Hereditary Breast and Ovarian Cancer, however it should be considered that familial co-segregation data has, to our knowledge, yet to be reported. BLAT searches for the intronic sequence surrounding the variant (30 nucleotide sequence surrounding the location of the variant) gave only 1 hit with 100% sequence identity on chromosome 22 (i.e. at the expected location). Therefore, the variant is unlikely to be derived from a CHEK2 pseudogene. Fourteen submitters have provided clinical-significance assessments for this variant to ClinVar after 2014 with conflicting assessments. Eight classified the variant as likely pathogenic (n=7)/pathogenic (n=1), and six classified it as VUS. Based on the evidence outlined above, the variant was classified as likely pathogenic.

MGZ Medical Genetics Center
Classification: Likely pathogenic for Familial cancer of breast. Last evaluated: 2022-05-18. Review status: criteria provided, single submitter. Criteria: ACMG Guidelines, 2015. Collection method: clinical testing. Allele origin: germline. Affected: yes. Observed: 3 variant alleles.
Comment: ACMG criteria applied: PS3, PS4_MOD, PM2_SUP